The following is an entry in ClinVar:

ClinVar aggregate classification (germline): Likely benign. Review status: criteria provided, multiple submitters, no conflicts (2 of 4 stars). 7 submissions from 7 submitters: Likely benign (6). 1 of the submissions does not count toward it. Last evaluated 2026-01-24.

Conditions:
TNXB-related disorder. Also called: TNXB-related condition.
Cardiovascular phenotype. Identifiers: MedGen CN230736.

Allele frequency attached by ClinVar (database versions not stated): 1000 Genomes Project 30x 0.00078; 1000 Genomes Project 0.00080.
gnomAD v4.1: 189 of 1,474,874 alleles (0.013%); highest among the groups gnomAD compares: East Asian, 0.3%; no homozygotes.

Submissions (11):

Labcorp Genetics (formerly Invitae), Labcorp
Classification: Likely benign. Last evaluated: 2026-01-24. Review status: criteria provided, single submitter. Criteria: Invitae Variant Classification Sherloc (09022015). Collection method: clinical testing. Allele origin: germline.

Women's Health and Genetics/Laboratory Corporation of America, LabCorp
Classification: Likely benign. Last evaluated: 2025-09-22. Review status: criteria provided, single submitter. Criteria: LabCorp Variant Classification Summary - May 2015. Collection method: clinical testing. Allele origin: germline.
Comment: Variant summary: TNXB c.10039G>C (p.Ala3347Pro) results in a non-conservative amino acid change in the encoded protein sequence. Algorithms developed to predict the effect of missense changes on protein structure and function are either unavailable or do not agree on the potential impact of this missense change. Several computational tools predict a significant impact on normal splicing: Three predict the variant weakens a 5' donor site. One predict the variant creates a 5' donor site. One predict the variant no significant impact on splicing. However, these predictions have yet to be confirmed by functional studies. The variant allele was found at a frequency of 0.00055 in 168606 control chromosomes, predominantly at a frequency of 0.0056 within the East Asian subpopulation in the gnomAD database. The observed variant frequency within East Asian control individuals in the gnomAD database exceeds the estimated maximal expected allele frequency for disease-causing variants in TNXB. To our knowledge, no occurrence of c.10039G>C in individuals affected with TNXB-related conditions and no experimental evidence demonstrating its impact on protein function have been reported. ClinVar contains an entry for this variant (Variation ID: 1197407). Based on the evidence outlined above, the variant was classified as likely benign.

Mayo Clinic Laboratories, Mayo Clinic
Classification: Likely benign. Last evaluated: 2025-03-18. Review status: criteria provided, single submitter. Criteria: ACMG Guidelines, 2015. Collection method: clinical testing. Allele origin: germline. Observed: 1 variant allele.
Comment: BS1, BP4_moderate

Ambry Genetics
Classification: Likely benign for Cardiovascular phenotype. Last evaluated: 2023-06-16. Review status: criteria provided, single submitter. Criteria: Ambry Variant Classification Scheme 2023. Collection method: clinical testing. Allele origin: germline.

CeGaT Center for Human Genetics Tuebingen
Classification: Likely benign. Last evaluated: 2023-01-01. Review status: criteria provided, single submitter. Criteria: CeGaT Center For Human Genetics Tuebingen Variant Classification Criteria Version 2. Collection method: clinical testing. Allele origin: germline. Affected: yes. Observed: 1 variant allele.
Comment: TNXB: BP4

GeneDx
Classification: Likely benign. Last evaluated: 2021-02-18. Review status: criteria provided, single submitter. Criteria: GeneDx Variant Classification Process June 2021. Collection method: clinical testing. Allele origin: germline. Affected: yes.
Comment: Has not been previously published as pathogenic or benign to our knowledge; In silico analysis, which includes protein predictors and evolutionary conservation, supports that this variant does not alter protein structure/function

PreventionGenetics, part of Exact Sciences
Classification: Likely benign for TNXB-related condition. Last evaluated: 2021-10-27. Review status: no assertion criteria provided. Collection method: clinical testing. Allele origin: germline. Not counted in ClinVar's aggregate classification.
Comment: This variant is classified as likely benign based on ACMG/AMP sequence variant interpretation guidelines (Richards et al. 2015 PMID: 25741868, with internal and published modifications).

Dr. Peter K. Rogan Lab, Western University
No classification provided (evidence only). Condition: Hepatocellular carcinoma. Review status: no classification provided. Collection method: in vitro. Allele origin: not applicable. Functional consequence: skipped exon, retained intron. Not counted in ClinVar's aggregate classification.

Dr. Peter K. Rogan Lab, Western University
No classification provided (evidence only). Condition: Hepatocellular carcinoma. Review status: no classification provided. Collection method: in vitro. Allele origin: not applicable. Functional consequence: retained intron. Not counted in ClinVar's aggregate classification.

Dr. Peter K. Rogan Lab, Western University
No classification provided (evidence only). Condition: Gastric cancer. Review status: no classification provided. Collection method: in vitro. Allele origin: not applicable. Functional consequence: retained intron. Not counted in ClinVar's aggregate classification.

Dr. Peter K. Rogan Lab, Western University
No classification provided (evidence only). Condition: Gastric cancer. Review status: no classification provided. Collection method: in vitro. Allele origin: not applicable. Functional consequence: retained intron. Not counted in ClinVar's aggregate classification.

NM_001365276.2(TNXB):c.10045G>C (p.Ala3349Pro)

Gene: TNXB (tenascin XB; minus strand). Cytogenetic location: 6p21.33.
Variant type: single nucleotide variant.
Coding change: c.10045G>C on transcript NM_001365276.2 (MANE Select); coding-DNA position 10045, G replaced by C.
Protein change: p.Ala3349Pro; replaces alanine 3349 with proline.
Molecular consequence: missense variant.
Genome position (GRCh38, 1-based): chr6:32,048,363, C>G on the plus strand (G>C on the coding strand, the complement: TNXB is on the minus strand). VCF-style: chr6-32048363-C-G. GRCh37 (hg19) VCF-style: chr6-32016140-C-G.
Other names: NC_000006.11:g.32016140C>G; p.Ala3347Pro; c.10039G>C, p.Ala3347Pro (NM_019105.8); short protein forms A3347P, A3349P.
Identifiers: ClinVar variation 1197407 (VCV001197407.32), dbSNP rs529527925, ClinGen allele CA3733339.